The following is an entry in ClinVar:

NM_004830.4(MED23):c.721T>C (p.Trp241Arg)

Gene: MED23 (mediator complex subunit 23; minus strand). Cytogenetic location: 6q23.2.
Variant type: single nucleotide variant.
Coding change: c.721T>C on transcript NM_004830.4 (MANE Select); coding-DNA position 721, T replaced by C.
Protein change: p.Trp241Arg; replaces tryptophan 241 with arginine.
Molecular consequence: missense variant.
Genome position (GRCh38, 1-based): chr6:131,618,466, A>G on the plus strand (T>C on the coding strand, the complement: MED23 is on the minus strand). VCF-style: chr6-131618466-A-G. GRCh37 (hg19) VCF-style: chr6-131939606-A-G.
Other names: c.721T>C, p.Trp241Arg (NM_001270521.2, NM_001270522.2, NM_001376517.1 and 7 more transcripts); c.649T>C, p.Trp217Arg (NM_001376518.1); short protein forms W241R, W217R.
Identifiers: ClinVar variation 1757773 (VCV001757773.2), dbSNP rs748834850, ClinGen allele CA365645834.
Genomic context (GRCh38, chr6:131,618,466, plus strand): 5'-CCTTATCATATGGCAAAAGGCCTTTCAAAGGAAAACGAAGAGTAGCAGGATCCAGTTTCC[A>G]TGAATTACAAATGGCACCCGAATTATTTACAACTGGCAGAAGACTACAGCGACCTGTATG-3'
Protein context (NP_004821.2, residues 231-251): VNNSGAICNS[Trp241Arg]KLDPATLRFP

ClinVar aggregate classification (germline): Uncertain significance (1 of 4 stars; one submission).

Conditions:
Inborn genetic diseases. Identifiers: MedGen C0950123, MeSH D030342.

gnomAD v4.1: 1 of 1,614,100 alleles (0.000062%); highest among the groups gnomAD compares: Non-Finnish European, 0.000085%; no homozygotes.

Submission:

Ambry Genetics
Classification: Uncertain significance for Inborn genetic diseases. Last evaluated: 2018-02-13. Review status: criteria provided, single submitter. Criteria: Ambry Variant Classification Scheme 2023. Collection method: clinical testing. Allele origin: germline.
Comment: The p.W241R variant (also known as c.721T>C), located in coding exon 9 of the MED23 gene, results from a T to C substitution at nucleotide position 721. The tryptophan at codon 241 is replaced by arginine, an amino acid with dissimilar properties. This amino acid position is highly conserved in available vertebrate species. In addition, this alteration is predicted to be deleterious by in silico analysis. Since supporting evidence is limited at this time, the clinical significance of this alteration remains unclear.